The following is an entry in ClinVar:

ClinVar aggregate classification (germline): Uncertain significance (0 of 4 stars; one submission).

Conditions:
ATRX-related disorder. Also called: ATRX-related condition.

Submission:

PreventionGenetics, part of Exact Sciences
Classification: Uncertain significance for ATRX-related condition. Last evaluated: 2024-03-11. Review status: no assertion criteria provided. Collection method: clinical testing. Allele origin: germline.
Comment: The ATRX c.3824T>C variant is predicted to result in the amino acid substitution p.Met1275Thr. To our knowledge, this variant has not been reported in the literature or in a large population database, indicating this variant is rare. At this time, the clinical significance of this variant is uncertain due to the absence of conclusive functional and genetic evidence.

NM_000489.6(ATRX):c.3824T>C (p.Met1275Thr)

Gene: ATRX (ATRX chromatin remodeler; minus strand). Cytogenetic location: Xq21.1.
Variant type: single nucleotide variant.
Coding change: c.3824T>C on transcript NM_000489.6 (MANE Select); coding-DNA position 3824, T replaced by C.
Protein change: p.Met1275Thr; replaces methionine 1275 with threonine.
Molecular consequence: missense variant.
Genome position (GRCh38, 1-based): chrX:77,664,764, A>G on the plus strand (T>C on the coding strand, the complement: ATRX is on the minus strand). VCF-style: chrX-77664764-A-G. GRCh37 (hg19) VCF-style: chrX-76920253-A-G.
Other names: c.3710T>C, p.Met1237Thr (NM_138270.5); short protein forms M1237T, M1275T.
Identifiers: ClinVar variation 3358147 (VCV003358147.1).